The following continues an entry in ClinVar:

NM_000218.3(KCNQ1):c.568C>T (p.Arg190Trp)

Gene: KCNQ1. ClinVar aggregate classification (germline): Pathogenic/Likely pathogenic. Pathogenic (9); Likely pathogenic (2).

Submissions 7 to 14 of 14:

All of Us Research Program, National Institutes of Health
Classification: Pathogenic for Long QT syndrome. Last evaluated: 2023-11-15. Review status: criteria provided, single submitter. Criteria: ACMG Guidelines, 2015. Collection method: clinical testing. Allele origin: germline. Inheritance: Autosomal dominant inheritance. Observed: 1 variant allele, 1 heterozygote.
Comment: The c.568C>T (p.Arg190Trp) variant in KCNQ1 gene, that encodes for potassium voltage-gated channel subfamily Q member 1, has been identified in multiple unrelated individuals (>30) affected with Long QT syndrome (LQTS) (PMID: 16414944, 19841298, 22456477, 24218437, 25825456, 19490272, 23158531, 28438721, 26813553, 32893267) and in a young individual with sudden unexpected death (PMID: 22882672). This variant has been observed in seven individuals in a family and two individuals in another family including the proband; however, phenotypes of the carrier relatives are not given (PMID: 19841298). This variant has also been observed in heterozygous state in one individual, and compound heterozygous state (with another pathogenic variant p.Arg518*) in one individual with Jervell and Lange-Nielsen syndrome (PMID: 22539601). In-silico computational prediction tools suggest that the p.Arg190Trp variant may have deleterious effect on protein function (REVEL score: 0.895). This variant is found to be rare (1/249344; 0.000004) in the general population database (gnomAD) and interpreted as pathogenic by several submitters in the ClinVar database (ClinVar ID: 53070). Other missense variants substituting the same amino acid (p.Arg190Gln, p.Arg190Leu, p.Arg190Pro) are known disease-causing variants reported in multiple individuals with LQTS (PMID: 19716085, 20138589, 31737537, 32383558, 17470695, 32893267) and classified as likely pathogenic/pathogenic by several submitters in ClinVar (ID: 67084, 3117, 237228). Therefore, the c.568C>T (p.Arg190Trp) variant in the KCNQ1 gene is classified as pathogenic.

This study involves interpretation of variants in research participants for the purpose of population health screening. Participant phenotype was not available at the time of variant classification. Additional details can be found in publication PMID: 35346344, PMCID: PMC8962531

Victorian Clinical Genetics Services, Murdoch Childrens Research Institute
Classification: Pathogenic for Long QT syndrome 1. Last evaluated: 2022-09-02. Review status: criteria provided, single submitter. Criteria: ACMG Guidelines, 2015. Collection method: clinical testing. Allele origin: germline. Inheritance: Autosomal dominant inheritance. Affected: yes.
Comment: Based on the classification scheme VCGS_Germline_v1.3.4, this variant is classified as Pathogenic. Following criteria are met: 0103 - Dominant negative, loss of function and gain of function are known mechanisms of disease in this gene. Gain of function variants result exclusively in short QT syndrome (MIM#609621), while dominant negative and loss of function variants can cause LQTS (MIM#192500), atrial fibrillation (MIM#607554) and JLNS (MIM#220400) (OMIM, PMID: 19632626, PMID: 28438721). (I) 0108 - This gene is associated with both recessive and dominant disease. JLNS is a more severe form of LQTS, and is the only condition caused by biallelic variants (PMID: 28438721). (I) 0112 - The condition associated with this gene has incomplete penetrance, and has been reported for variants causing LQTS or atrial fibrillation (GeneReviews, OMIM). (I) 0200 - Variant is predicted to result in a missense amino acid change from arginine to tryptophan. (I) 0251 - This variant is heterozygous. (I) 0304 - Variant is present in gnomAD <0.01 (v2 and v3: 2 heterozygotes, 0 homozygotes. (SP) 0309 - Multiple alternative amino acid changes at the same position have been observed in gnomAD (v2 and v3) (highest allele count: 4 heterozygotes, 0 homozygotes). (I) 0501 - Missense variant consistently predicted to be damaging by multiple in silico tools and highly conserved with a major amino acid change. 0600 - Variant is located in the annotated ion transport domain (DECIPHER). (I) 0702 - Other missense variants comparable to the one identified in this case have strong previous evidence for pathogenicity. The p.(Arg190Leu) and p.(Arg190Gln) variants have been classified by multiple clinical diagnostic laboratories as likely pathogenic and pathogenic (VCGS, ClinVar). However, it should also be noted that the p.(Arg190Pro) has been classified once as a VUS with no additional information provided (ClinVar). (SP) 0801 - This variant has strong previous evidence of pathogenicity in unrelated individuals. This variant has been classified as likely pathogenic or pathogenic by multiple clinical diagnostic laboratories and has reported in five individuals with LQTS, sudden cardiac death or JLNS (ClinVar, PMIDs: 16414944, 22882672, 25471708, 27251404, 28438721). (I) Legend: (SP) - Supporting pathogenic, (I) - Information, (SB) - Supporting benign

GeneDx
Classification: Pathogenic. Last evaluated: 2022-03-01. Review status: criteria provided, single submitter. Criteria: GeneDx Variant Classification Process June 2021. Collection method: clinical testing. Allele origin: germline. Affected: yes.
Comment: Not observed at a significant frequency in large population cohorts (gnomAD); In silico analysis supports that this missense variant has a deleterious effect on protein structure/function; This variant is associated with the following publications: (PMID: 20660394, 28438721, 31518351, 27251404, 24218437, 23158531, 23281414, 24552659, 22581653, 20541041, 22882672, 25825456, 26813553, 29677589, 19490272, 31009818, 34319147, 32421437, 23995044, 19841298, 31729605, 35205365, 16414944, 22539601)

Laan Lab, Human Genetics Research Group, University of Tartu
Classification: Likely pathogenic for Long QT syndrome 1. Last evaluated: 2021-05-01. Review status: criteria provided, single submitter. Criteria: ACMG Guidelines, 2015. Collection method: research. Allele origin: unknown. Observed: 1 variant allele, 1 heterozygote.

Juno Genomics, Hangzhou Juno Genomics, Inc
Classification: Pathogenic for Long QT syndrome 1; Atrial fibrillation, familial, 3; Jervell and Lange-Nielsen syndrome 1; Short QT syndrome type 2. Review status: criteria provided, single submitter. Criteria: ACMG Guidelines, 2015. Collection method: clinical testing. Allele origin: germline.
Comment: Absent from controls (or at extremely low frequency if recessive) in Genome Aggregation Database.;Multiple lines of computational evidence support a deleterious effect on the gene or gene product.;Novel missense change at an amino acid residue where a different missense change determined to be pathogenic has been seen before.;The prevalence of the variant in affected individuals is significantly increased compared to the prevalence in controls.;For recessive disorders, detected in trans with a pathogenic variant.

Cardiovascular Biomedical Research Unit, Royal Brompton & Harefield NHS Foundation Trust
No classification provided. Condition: Familial long QT syndrome. Review status: no classification provided. Collection method: literature only. Allele origin: germline. Not counted in ClinVar's aggregate classification.
Comment: This variant has been reported as associated with Long QT syndrome in the following publications (PMID:16414944;PMID:22539601). This is a literature report, and does not necessarily reflect the clinical interpretation of the Imperial College / Royal Brompton Cardiovascular Genetics laboratory.

Clinical Genetics, Academic Medical Center
Classification: Pathogenic. Review status: no assertion criteria provided. Collection method: clinical testing. Allele origin: germline. Affected: yes. Study: VKGL Data-share Consensus. Not counted in ClinVar's aggregate classification.

Genome Diagnostics Laboratory, University Medical Center Utrecht
Classification: Pathogenic. Review status: no assertion criteria provided. Collection method: clinical testing. Allele origin: germline. Affected: yes. Study: VKGL Data-share Consensus. Not counted in ClinVar's aggregate classification.

Literature cited by the submitters: PubMed 16414944 (cited by 5 submitters); PubMed 19841298 (cited by Labcorp Genetics (formerly Invitae), Labcorp and All of Us Research Program, National Institutes of Health); PubMed 22456477 (cited by Labcorp Genetics (formerly Invitae), Labcorp and All of Us Research Program, National Institutes of Health); PubMed 22539601 (cited by 5 submitters); PubMed 24218437 (cited by Labcorp Genetics (formerly Invitae), Labcorp and All of Us Research Program, National Institutes of Health); PubMed 25825456 (cited by 4 submitters); PubMed 8528244 (cited by Labcorp Genetics (formerly Invitae), Labcorp and Ambry Genetics); PubMed 10728423 (cited by Labcorp Genetics (formerly Invitae), Labcorp); PubMed 20660394 (cited by Labcorp Genetics (formerly Invitae), Labcorp); PubMed 22629021 (cited by Labcorp Genetics (formerly Invitae), Labcorp); PubMed 19490272 (cited by Ambry Genetics and All of Us Research Program, National Institutes of Health); PubMed 22882672 (cited by 3 submitters); PubMed 23158531 (cited by Ambry Genetics and All of Us Research Program, National Institutes of Health); PubMed 26813553 (cited by Ambry Genetics and All of Us Research Program, National Institutes of Health); PubMed 28438721 (cited by 4 submitters); PubMed 31009818 (cited by Ambry Genetics); PubMed 31729605 (cited by Ambry Genetics); PubMed 37597120 (cited by Ambry Genetics); PubMed 32893267 (cited by Color Diagnostics, LLC DBA Color Health and All of Us Research Program, National Institutes of Health); PubMed 17470695 (cited by All of Us Research Program, National Institutes of Health); PubMed 19716085 (cited by All of Us Research Program, National Institutes of Health); PubMed 20138589 (cited by All of Us Research Program, National Institutes of Health); PubMed 31737537 (cited by All of Us Research Program, National Institutes of Health); PubMed 32383558 (cited by All of Us Research Program, National Institutes of Health); PubMed 19632626 (cited by Victorian Clinical Genetics Services, Murdoch Childrens Research Institute); PubMed 25471708 (cited by Victorian Clinical Genetics Services, Murdoch Childrens Research Institute); PubMed 27251404 (cited by Victorian Clinical Genetics Services, Murdoch Childrens Research Institute); PubMed 35535697 (cited by Laan Lab, Human Genetics Research Group, University of Tartu); PubMed 22581653 (cited by Cardiovascular Biomedical Research Unit, Royal Brompton & Harefield NHS Foundation Trust).